The following is an entry in ClinVar:

NM_000384.3(APOB):c.3944C>T (p.Thr1315Ile)

Gene: APOB (apolipoprotein B; minus strand). Cytogenetic location: 2p24.1.
Variant type: single nucleotide variant.
Coding change: c.3944C>T on transcript NM_000384.3 (MANE Select); coding-DNA position 3944, C replaced by T.
Protein change: p.Thr1315Ile; replaces threonine 1315 with isoleucine.
Molecular consequence: missense variant.
Genome position (GRCh38, 1-based): chr2:21,013,432, G>A on the plus strand (C>T on the coding strand, the complement: APOB is on the minus strand). VCF-style: chr2-21013432-G-A. GRCh37 (hg19) VCF-style: chr2-21236304-G-A.
Other names: short protein forms T1315I.
Identifiers: ClinVar variation 3416046 (VCV003416046.1).
Genomic context (GRCh38, chr2:21,013,432, plus strand): 5'-AACTCTCGAGATGGCAGATGGAATCCCACAGACTTGAAGTGGAGGGCTGGTGTCCTAACA[G>A]TCTCTAACATCTTTAGATCTCTGGAGGATTTGCCACCAAAAGGCAAAGGAATCTCAATTT-3'
Protein context (NP_000375.3, residues 1305-1325): KSSRDLKMLE[Thr1315Ile]VRTPALHFKS

ClinVar aggregate classification (germline): Uncertain significance (1 of 4 stars; one submission).

Conditions:
Cardiovascular phenotype. Identifiers: MedGen CN230736.

gnomAD v4.1: 1 of 1,614,226 alleles (0.000062%); highest among the groups gnomAD compares: Non-Finnish European, 0.000085%; no homozygotes.

Submission:

Ambry Genetics
Classification: Uncertain significance for Cardiovascular phenotype. Last evaluated: 2024-09-17. Review status: criteria provided, single submitter. Criteria: Ambry Variant Classification Scheme 2023. Collection method: clinical testing. Allele origin: germline.
Comment: The p.T1315I variant (also known as c.3944C>T), located in coding exon 25 of the APOB gene, results from a C to T substitution at nucleotide position 3944. The threonine at codon 1315 is replaced by isoleucine, an amino acid with similar properties. This amino acid position is conserved. In addition, this alteration is predicted to be tolerated by in silico analysis. Based on the available evidence, the clinical significance of this variant remains unclear.